The following is an entry in ClinVar:

NM_031844.3(HNRNPU):c.465G>T (p.Glu155Asp)

Gene: HNRNPU (heterogeneous nuclear ribonucleoprotein U; minus strand). Cytogenetic location: 1q44.
Variant type: single nucleotide variant.
Coding change: c.465G>T on transcript NM_031844.3 (MANE Select); coding-DNA position 465, G replaced by T.
Protein change: p.Glu155Asp; replaces glutamic acid 155 with aspartic acid.
Molecular consequence: missense variant.
Genome position (GRCh38, 1-based): chr1:244,863,843, C>A on the plus strand (G>T on the coding strand, the complement: HNRNPU is on the minus strand). VCF-style: chr1-244863843-C-A. GRCh37 (hg19) VCF-style: chr1-245027145-C-A.
Other names: c.465G>T, p.Glu155Asp (NM_004501.3); short protein forms E155D.
Identifiers: ClinVar variation 932065 (VCV000932065.3), dbSNP rs776778115, ClinGen allele CA345496981.

ClinVar aggregate classification (germline): Uncertain significance (1 of 4 stars; one submission).

Conditions:
Developmental and epileptic encephalopathy, 54. Also called: Epileptic encephalopathy, early infantile, 54; HNRNPU-Related Neurodevelopmental Disorder. Identifiers: MedGen C4479319, MONDO:0033363, OMIM 617391.

Submission:

Centre for Mendelian Genomics, University Medical Centre Ljubljana
Classification: Uncertain significance for Developmental and epileptic encephalopathy, 54. Last evaluated: 2019-02-27. Review status: criteria provided, single submitter. Criteria: ACMG Guidelines, 2015. Collection method: clinical testing. Allele origin: unknown. Affected: yes.
Comment: This variant was classified as: Uncertain significance. The available evidence on this variant's pathogenicity is insufficient or conflicting. The following ACMG criteria were applied in classifying this variant: PM2,BP4.